The following is an entry in ClinVar:

NM_032578.4(MYPN):c.1828del (p.Glu610fs)

Gene: MYPN (myopalladin; plus strand). Cytogenetic location: 10q21.3.
Variant type: Deletion.
Coding change: c.1828del on transcript NM_032578.4 (MANE Select); coding-DNA position 1828, one base deleted (G; older notation c.1828delG).
Protein change: p.Glu610fs; shifts the reading frame from glutamic acid 610.
Molecular consequence: frameshift variant. On other transcripts: non-coding transcript variant (2).
Genome position (GRCh38, 1-based): chr10:68,166,521, G deleted. VCF-style (leftmost placement, unchanged base first): chr10-68166520-TG-T. GRCh37 (hg19) VCF-style: chr10-69926277-TG-T.
Other names: c.1828del, p.Glu610fs (NM_001256267.2); c.946del, p.Glu316fs (NM_001256268.2); short protein forms E316fs, E610fs.
Identifiers: ClinVar variation 4722640 (VCV004722640.1).

ClinVar aggregate classification (germline): Pathogenic (1 of 4 stars; one submission).

Conditions:
Dilated cardiomyopathy 1KK (CMD1KK). Identifiers: Orphanet 154, Orphanet 75249, MedGen C3714995, MONDO:0014100, OMIM 615248.

Submission:

Labcorp Genetics (formerly Invitae), Labcorp
Classification: Pathogenic for Dilated cardiomyopathy 1KK. Last evaluated: 2025-07-03. Review status: criteria provided, single submitter. Criteria: Invitae Variant Classification Sherloc (09022015). Collection method: clinical testing. Allele origin: germline.
Comment: This sequence change creates a premature translational stop signal (p.Glu610Lysfs*9) in the MYPN gene. It is expected to result in an absent or disrupted protein product. Loss-of-function variants in MYPN are known to be pathogenic (PMID: 28017374). This variant is not present in population databases (gnomAD no frequency). This variant has not been reported in the literature in individuals affected with MYPN-related conditions. For these reasons, this variant has been classified as Pathogenic.

Literature cited by the submitters: PubMed 28017374.